The following is an entry in ClinVar:

ClinVar aggregate classification (germline): Uncertain significance (1 of 4 stars; one submission).

Conditions:
Inborn genetic diseases. Identifiers: MedGen C0950123, MeSH D030342.

gnomAD v4.1: 1 of 1,613,646 alleles (0.000062%); highest among the groups gnomAD compares: Non-Finnish European, 0.000085%; no homozygotes.

Submission:

Ambry Genetics
Classification: Uncertain significance for Inborn genetic diseases. Last evaluated: 2024-12-22. Review status: criteria provided, single submitter. Criteria: Ambry Variant Classification Scheme 2023. Collection method: clinical testing. Allele origin: germline.
Comment: The p.D423E variant (also known as c.1269T>A), located in coding exon 1 of the SAMD9 gene, results from a T to A substitution at nucleotide position 1269. The aspartic acid at codon 423 is replaced by glutamic acid, an amino acid with highly similar properties. This amino acid position is conserved. In addition, this alteration is predicted to be tolerated by in silico analysis. Based on the available evidence, the clinical significance of this variant remains unclear.

NM_017654.4(SAMD9):c.1269T>A (p.Asp423Glu)

Gene: SAMD9 (sterile alpha motif domain containing 9; minus strand). Cytogenetic location: 7q21.2.
Variant type: single nucleotide variant.
Coding change: c.1269T>A on transcript NM_017654.4 (MANE Select); coding-DNA position 1269, T replaced by A.
Protein change: p.Asp423Glu; replaces aspartic acid 423 with glutamic acid.
Molecular consequence: missense variant.
Genome position (GRCh38, 1-based): chr7:93,104,829, A>T on the plus strand (T>A on the coding strand, the complement: SAMD9 is on the minus strand). VCF-style: chr7-93104829-A-T. GRCh37 (hg19) VCF-style: chr7-92734142-A-T.
Other names: c.1269T>A, p.Asp423Glu (NM_001193307.2); short protein forms D423E.
Identifiers: ClinVar variation 3791947 (VCV003791947.1).